The following is an entry in ClinVar:

ClinVar aggregate classification (germline): Uncertain significance (1 of 4 stars; one submission).

Conditions:
Cardiovascular phenotype. Identifiers: MedGen CN230736.

Submission:

Ambry Genetics
Classification: Uncertain significance for Cardiovascular phenotype. Last evaluated: 2025-07-13. Review status: criteria provided, single submitter. Criteria: Ambry Variant Classification Scheme 2023. Collection method: clinical testing. Allele origin: germline.
Comment: The p.S466N variant (also known as c.1397G>A), located in coding exon 4 of the RBM20 gene, results from a G to A substitution at nucleotide position 1397. The serine at codon 466 is replaced by asparagine, an amino acid with highly similar properties. This amino acid position is conserved. In addition, this alteration is predicted to be tolerated by in silico analysis. Based on the available evidence, the clinical significance of this variant remains unclear.

NM_001134363.3(RBM20):c.1397G>A (p.Ser466Asn)

Gene: RBM20 (RNA binding motif protein 20; plus strand). Cytogenetic location: 10q25.2.
Variant type: single nucleotide variant.
Coding change: c.1397G>A on transcript NM_001134363.3 (MANE Select); coding-DNA position 1397, G replaced by A.
Protein change: p.Ser466Asn; replaces serine 466 with asparagine.
Molecular consequence: missense variant.
Genome position (GRCh38, 1-based): chr10:110,784,400, G>A. VCF-style: chr10-110784400-G-A. GRCh37 (hg19) VCF-style: chr10-112544158-G-A.
Other names: short protein forms S466N.
Identifiers: ClinVar variation 4151592 (VCV004151592.1).